The following is an entry in ClinVar:

NM_000435.3(NOTCH3):c.3308T>C (p.Met1103Thr)

Gene: NOTCH3 (notch receptor 3; minus strand). Cytogenetic location: 19p13.12.
Variant type: single nucleotide variant.
Coding change: c.3308T>C on transcript NM_000435.3 (MANE Select); coding-DNA position 3308, T replaced by C.
Protein change: p.Met1103Thr; replaces methionine 1103 with threonine.
Molecular consequence: missense variant.
Genome position (GRCh38, 1-based): chr19:15,180,091, A>G on the plus strand (T>C on the coding strand, the complement: NOTCH3 is on the minus strand). VCF-style: chr19-15180091-A-G. GRCh37 (hg19) VCF-style: chr19-15290902-A-G.
Other names: short protein forms M1103T.
Identifiers: ClinVar variation 3375084 (VCV003375084.1).

ClinVar aggregate classification (germline): Uncertain significance (1 of 4 stars; one submission).

Submission:

Women's Health and Genetics/Laboratory Corporation of America, LabCorp
Classification: Uncertain significance. Last evaluated: 2024-09-04. Review status: criteria provided, single submitter. Criteria: LabCorp Variant Classification Summary - May 2015. Collection method: clinical testing. Allele origin: germline.
Comment: Variant summary: NOTCH3 c.3308T>C (p.Met1103Thr) results in a non-conservative amino acid change located in the EGF-like repeat domain (IPR000742) of the encoded protein sequence. Three of five in-silico tools predict a benign effect of the variant on protein function. The variant allele was found at a frequency of 8e-06 in 250976 control chromosomes (gnomAD). The available data on variant occurrences in the general population are insufficient to allow any conclusion about variant significance. The variant, c.3308T>C, has been reported in the literature in an individual affected with pulmonary arterial hypertension (Aldalaan_2021), however no supportive evidence for causality was provided. This report does not provide unequivocal conclusions about association of the variant with NOTCH3-Related Disorders. To our knowledge, no experimental evidence demonstrating an impact on protein function has been reported. The following publication have been ascertained in the context of this evaluation (PMID: 34377436). No submitters have cited clinical-significance assessments for this variant to ClinVar. Based on the evidence outlined above, the variant was classified as uncertain significance.

Literature cited by the submitters: PubMed 34377436.